The following is an entry in ClinVar:

NM_001267550.2(TTN):c.12558A>G (p.Pro4186=)

Gene: TTN (titin; minus strand). Cytogenetic location: 2q31.2.
Variant type: single nucleotide variant.
Coding change: c.12558A>G on transcript NM_001267550.2 (MANE Select); coding-DNA position 12558, A replaced by G.
Protein change: p.Pro4186=; no amino-acid change (proline 4186 retained).
Molecular consequence: synonymous variant. On other transcripts: intron variant (1).
Genome position (GRCh38, 1-based): chr2:178,740,675, T>C on the plus strand (A>G on the coding strand, the complement: TTN is on the minus strand). VCF-style: chr2-178740675-T-C. GRCh37 (hg19) VCF-style: chr2-179605402-T-C.
Other names: c.11844A>G, p.Pro3948= (NM_133432.3); c.11607A>G, p.Pro3869= (NM_001256850.1); c.11469A>G, p.Pro3823= (NM_003319.4); c.12045A>G, p.Pro4015= (NM_133437.4); c.10361-2315A>G (NM_133378.4).
Identifiers: ClinVar variation 47825 (VCV000047825.21), dbSNP rs72648921, ClinGen allele CA141980.
Genomic context (GRCh38, chr2:178,740,675, plus strand): 5'-TAATAAAGTTTTCAGAGGCTCAACTGTTAATGAATTAATTTGTTCTATGGACATGGCACT[T>C]GGGAAGATTTTCTCGGTATCTGATAGAACTGCCTGTGTCTCAGGCTCTTCAGGCATTAGA-3'
Protein context (NP_001254479.2, residues 4176-4196): AVLSDTEKIF[Pro4186=]SAMSIEQINS

ClinVar aggregate classification (germline): Benign/Likely benign. Review status: criteria provided, multiple submitters, no conflicts (2 of 4 stars). 6 submissions from 6 submitters: Benign (1); Likely benign (5). Last evaluated 2026-06-09.

Conditions:
TTN-related disorder. Also called: TTN-related condition; TTN-related disease; TTN-related disorders.
Cardiovascular phenotype. Identifiers: MedGen CN230736.
Autosomal recessive limb-girdle muscular dystrophy type 2J (LGMDR10). Also called: Limb-girdle muscular dystrophy, type 2J; MUSCULAR DYSTROPHY, LIMB-GIRDLE, AUTOSOMAL RECESSIVE 10. Identifiers: Orphanet 140922, MedGen C1837342, MONDO:0012127, OMIM 608807.
Dilated cardiomyopathy 1G (CMD1G). Identifiers: Orphanet 154, MedGen C1858763, MONDO:0011400, OMIM 604145.

Allele frequency attached by ClinVar (database versions not stated): ExAC 0.00004; gnomAD exomes 0.00004; TOPMed 0.00005; gnomAD 0.00006 and 0.00007; ESP Exome Variant Server 0.00008.
gnomAD v4.1: 73 of 1,613,722 alleles (0.0045%); highest among the groups gnomAD compares: Middle Eastern, 0.13%; no homozygotes.

Submissions (6):

PreventionGenetics, part of Exact Sciences
Classification: Likely benign for TTN-related condition. Last evaluated: 2026-06-09. Review status: criteria provided, single submitter. Criteria: ACMG Guidelines, 2015. Collection method: clinical testing. Allele origin: germline.
Comment: This variant is classified as likely benign based on ACMG/AMP sequence variant interpretation guidelines (Richards et al. 2015 PMID: 25741868, with internal and published modifications).

Labcorp Genetics (formerly Invitae), Labcorp
Classification: Likely benign for Dilated cardiomyopathy 1G; Autosomal recessive limb-girdle muscular dystrophy type 2J. Last evaluated: 2026-02-01. Review status: criteria provided, single submitter. Criteria: Invitae Variant Classification Sherloc (09022015). Collection method: clinical testing. Allele origin: germline.

Blueprint Genetics
Classification: Likely benign. Last evaluated: 2024-10-25. Review status: criteria provided, single submitter. Criteria: ACMG Guidelines, 2015. Collection method: clinical testing. Allele origin: germline.

Ambry Genetics
Classification: Benign for Cardiovascular phenotype. Last evaluated: 2020-08-12. Review status: criteria provided, single submitter. Criteria: Ambry Variant Classification Scheme 2023. Collection method: clinical testing. Allele origin: germline.

Laboratory for Molecular Medicine, Mass General Brigham Personalized Medicine
Classification: Likely benign. Last evaluated: 2012-03-19. Review status: criteria provided, single submitter. Criteria: LMM Criteria. Collection method: clinical testing. Allele origin: germline. Observed: 1 variant allele.
Comment: Pro3948Pro in exon 45B of TTN: This variant is not expected to have clinical sig nificance because it does not alter an amino acid residue and is not located wit hin the splice consensus sequence. It has been identified in 1/6594 European Ame rican chromosomes from a broad population by the NHLBI Exome Sequencing Project (dbSNP rs72648921). Pro3948Pro in exon 45B of TTN (rs72648921; allele frequency = 1/6594) **

Breakthrough Genomics
Classification: Likely benign. Review status: criteria provided, single submitter. Criteria: ACMG Guidelines, 2015. Collection method: not provided. Allele origin: germline. Inheritance: Autosomal recessive inheritance. Affected: yes.